The following is an entry in ClinVar:

ClinVar aggregate classification (germline): Likely benign. Review status: criteria provided, multiple submitters, no conflicts (2 of 4 stars). 2 submissions from 2 submitters: Likely benign (2). Last evaluated 2021-06-16.

Conditions:
Cardiovascular phenotype. Identifiers: MedGen CN230736.

Allele frequency attached by ClinVar (database versions not stated): gnomAD exomes below 0.00001.
gnomAD v4.1: 1 of 1,614,142 alleles (0.000062%); highest among the groups gnomAD compares: African/African-American, 0.0013%; no homozygotes.

Submissions (2):

Ambry Genetics
Classification: Likely benign for Cardiovascular phenotype. Last evaluated: 2021-06-16. Review status: criteria provided, single submitter. Criteria: Ambry Variant Classification Scheme 2023. Collection method: clinical testing. Allele origin: germline.

GeneDx
Classification: Likely benign. Last evaluated: 2018-04-19. Review status: criteria provided, single submitter. Criteria: GeneDx Variant Classification (06012015). Collection method: clinical testing. Allele origin: germline. Affected: yes.
Comment: This variant is considered likely benign or benign based on one or more of the following criteria: it is a conservative change, it occurs at a poorly conserved position in the protein, it is predicted to be benign by multiple in silico algorithms, and/or has population frequency not consistent with disease.

NM_003098.3(SNTA1):c.540T>C (p.Thr180=)

Gene: SNTA1 (syntrophin alpha 1; minus strand). Cytogenetic location: 20q11.21.
Variant type: single nucleotide variant.
Coding change: c.540T>C on transcript NM_003098.3 (MANE Select); coding-DNA position 540, T replaced by C.
Protein change: p.Thr180=; no amino-acid change (threonine 180 retained).
Molecular consequence: synonymous variant.
Genome position (GRCh38, 1-based): chr20:33,417,880, A>G on the plus strand (T>C on the coding strand, the complement: SNTA1 is on the minus strand). VCF-style: chr20-33417880-A-G. GRCh37 (hg19) VCF-style: chr20-32005686-A-G.
Identifiers: ClinVar variation 670013 (VCV000670013.3), dbSNP rs1600844808, ClinGen allele CA510251372.